The following is an entry in ClinVar:

ClinVar aggregate classification (germline): Conflicting classifications of pathogenicity. Review status: criteria provided, conflicting classifications (1 of 4 stars). 2 submissions from 2 submitters: Uncertain significance (1); Benign (1). Last evaluated 2025-01-05.

Conditions:
Familial temporal lobe epilepsy 7. Identifiers: Orphanet 101046, MedGen C4225327, MONDO:0014639, OMIM 616436.
Norman-Roberts syndrome (LIS2). Also called: Lissencephaly 2 (Norman-Roberts type). Identifiers: Orphanet 89844, MedGen C0796089, MONDO:0009760, OMIM 257320.

Allele frequency attached by ClinVar (database versions not stated): TOPMed below 0.00001; gnomAD exomes 0.00001 and 0.00002; ExAC 0.00002.
gnomAD v4.1: 4 of 1,611,784 alleles (0.00025%); highest among the groups gnomAD compares: Admixed American, 0.0067%; no homozygotes.

Submissions (2):

Labcorp Genetics (formerly Invitae), Labcorp
Classification: Benign for Familial temporal lobe epilepsy 7; Norman-Roberts syndrome. Last evaluated: 2025-01-05. Review status: criteria provided, single submitter. Criteria: Invitae Variant Classification Sherloc (09022015). Collection method: clinical testing. Allele origin: germline.

GeneDx
Classification: Uncertain significance. Last evaluated: 2019-10-11. Review status: criteria provided, single submitter. Criteria: GeneDx Variant Classification Process June 2021. Collection method: clinical testing. Allele origin: germline. Affected: yes.
Comment: Not observed at a significant frequency in large population cohorts (Lek et al., 2016); In silico analysis, which includes protein predictors and evolutionary conservation, supports that this variant does not alter protein structure/function; Has not been previously published as pathogenic or benign to our knowledge

NM_005045.4(RELN):c.1880A>G (p.Glu627Gly)

Gene: RELN (reelin; minus strand). Cytogenetic location: 7q22.1.
Variant type: single nucleotide variant.
Coding change: c.1880A>G on transcript NM_005045.4 (MANE Select); coding-DNA position 1880, A replaced by G.
Protein change: p.Glu627Gly; replaces glutamic acid 627 with glycine.
Molecular consequence: missense variant.
Genome position (GRCh38, 1-based): chr7:103,651,673, T>C on the plus strand (A>G on the coding strand, the complement: RELN is on the minus strand). VCF-style: chr7-103651673-T-C. GRCh37 (hg19) VCF-style: chr7-103292120-T-C.
Other names: c.1880A>G, p.Glu627Gly (NM_173054.3); short protein forms E627G.
Identifiers: ClinVar variation 659704 (VCV000659704.10), dbSNP rs779007436, ClinGen allele CA4422160.